The following is an entry in ClinVar:

ClinVar aggregate classification (germline): Uncertain significance (1 of 4 stars; one submission).

Conditions:
Neuropathy, hereditary sensory and autonomic, type 2A (HSAN2A). Also called: WNK1-Related HSAN2 (HSAN2A); MORVAN DISEASE; NEUROPATHY, CONGENITAL SENSORY; NEUROPATHY, HEREDITARY SENSORY RADICULAR, AUTOSOMAL RECESSIVE; NEUROPATHY, HEREDITARY SENSORY, TYPE IIA; NEUROPATHY, PROGRESSIVE SENSORY, OF CHILDREN. Identifiers: Orphanet 970, MedGen C2752089, MONDO:0024309, OMIM 201300.
Pseudohypoaldosteronism type 2C (PHA2C). Also called: Pseudohypoaldosteronism Type IIC. Identifiers: Orphanet 757, Orphanet 88940, MedGen C1840391, MONDO:0013778, OMIM 614492.

Submission:

Labcorp Genetics (formerly Invitae), Labcorp
Classification: Uncertain significance for Neuropathy, hereditary sensory and autonomic, type 2A; Pseudohypoaldosteronism type 2C. Last evaluated: 2021-11-29. Review status: criteria provided, single submitter. Criteria: Invitae Variant Classification Sherloc (09022015). Collection method: clinical testing. Allele origin: germline.
Comment: This sequence change replaces proline, which is neutral and non-polar, with alanine, which is neutral and non-polar, at codon 1017 of the WNK1 protein (p.Pro1017Ala). This variant is not present in population databases (gnomAD no frequency). This variant has not been reported in the literature in individuals affected with WNK1-related conditions. Advanced modeling of protein sequence and biophysical properties (such as structural, functional, and spatial information, amino acid conservation, physicochemical variation, residue mobility, and thermodynamic stability) performed at Invitae indicates that this missense variant is not expected to disrupt WNK1 protein function. Algorithms developed to predict the effect of sequence changes on RNA splicing suggest that this variant may create or strengthen a splice site. In summary, the available evidence is currently insufficient to determine the role of this variant in disease. Therefore, it has been classified as a Variant of Uncertain Significance.

NM_213655.5(WNK1):c.3049C>G (p.Pro1017Ala)

Gene: WNK1 (WNK lysine deficient protein kinase 1; plus strand). Cytogenetic location: 12p13.33.
Variant type: single nucleotide variant.
Coding change: c.3049C>G on transcript NM_213655.5 (MANE Plus Clinical); coding-DNA position 3049, C replaced by G.
Protein change: p.Pro1017Ala; replaces proline 1017 with alanine.
Molecular consequence: missense variant. On other transcripts: intron variant (2).
Genome position (GRCh38, 1-based): chr12:868,520, C>G. VCF-style: chr12-868520-C-G. GRCh37 (hg19) VCF-style: chr12-977686-C-G.
Other names: c.2794C>G, p.Pro932Ala (NM_001184985.2); c.2140-2745C>G (NM_018979.4, NM_014823.3); short protein forms P932A, P1017A.
Identifiers: ClinVar variation 1354321 (VCV001354321.6), dbSNP rs2154071888, ClinGen allele CA383340159.